The following is an entry in ClinVar:

ClinVar aggregate classification (germline): Uncertain significance (1 of 4 stars; one submission).

Allele frequency attached by ClinVar (database versions not stated): gnomAD exomes 0.00001.
gnomAD v4.1: 23 of 1,614,140 alleles (0.0014%); highest among the groups gnomAD compares: East Asian, 0.04%; no homozygotes.

Submission:

Labcorp Genetics (formerly Invitae), Labcorp
Classification: Uncertain significance. Last evaluated: 2022-08-24. Review status: criteria provided, single submitter. Criteria: Invitae Variant Classification Sherloc (09022015). Collection method: clinical testing. Allele origin: germline.
Comment: In summary, the available evidence is currently insufficient to determine the role of this variant in disease. Therefore, it has been classified as a Variant of Uncertain Significance. Algorithms developed to predict the effect of missense changes on protein structure and function output the following: SIFT: "Tolerated"; PolyPhen-2: "Benign"; Align-GVGD: "Class C0". The methionine amino acid residue is found in multiple mammalian species, which suggests that this missense change does not adversely affect protein function. This variant has not been reported in the literature in individuals affected with C10orf11-related conditions. This variant is not present in population databases (gnomAD no frequency). This sequence change replaces valine, which is neutral and non-polar, with methionine, which is neutral and non-polar, at codon 42 of the C10orf11 protein (p.Val42Met).

NM_001305581.2(LRMDA):c.208G>A (p.Val70Met)

Genes: LRMDA (leucine rich melanocyte differentiation associated; plus strand), LOC110121427 (VISTA enhancer hs1679; plus strand). Cytogenetic location: 10q22.3.
Variant type: single nucleotide variant.
Coding change: c.208G>A on transcript NM_001305581.2 (MANE Select); coding-DNA position 208, G replaced by A.
Protein change: p.Val70Met; replaces valine 70 with methionine.
Molecular consequence: missense variant. On other transcripts: non-coding transcript variant (1).
Genome position (GRCh38, 1-based): chr10:76,036,084, G>A. VCF-style: chr10-76036084-G-A. GRCh37 (hg19) VCF-style: chr10-77795842-G-A.
Other names: c.124G>A, p.Val42Met (NM_032024.5); short protein forms V42M, V70M.
Identifiers: ClinVar variation 2140057 (VCV002140057.4), dbSNP rs1589297673, ClinGen allele CA377400748.